The following is an entry in ClinVar:

ClinVar aggregate classification (germline): Uncertain significance (1 of 4 stars; one submission).

Conditions:
Aortic aneurysm, familial thoracic 7 (AAT7). Also called: AORTIC DISSECTION, FAMILIAL, WITH OR WITHOUT AORTIC ANEURYSM. Identifiers: MedGen C3151077, MONDO:0013418, OMIM 613780.

Allele frequency attached by ClinVar (database versions not stated): gnomAD exomes below 0.00001 and 0.00001; ExAC 0.00001.
gnomAD v4.1: 7 of 1,614,164 alleles (0.00043%); highest among the groups gnomAD compares: Middle Eastern, 0.016%; no homozygotes.

Submission:

Labcorp Genetics (formerly Invitae), Labcorp
Classification: Uncertain significance for Aortic aneurysm, familial thoracic 7. Last evaluated: 2020-07-08. Review status: criteria provided, single submitter. Criteria: Invitae Variant Classification Sherloc (09022015). Collection method: clinical testing. Allele origin: germline.
Comment: This sequence change replaces alanine with threonine at codon 34 of the MYLK protein (p.Ala34Thr). The alanine residue is highly conserved and there is a small physicochemical difference between alanine and threonine. This variant is present in population databases (rs760526212, ExAC 0.006%). This variant has not been reported in the literature in individuals with MYLK-related conditions. Algorithms developed to predict the effect of missense changes on protein structure and function output the following: SIFT: "Deleterious"; PolyPhen-2: "Possibly Damaging"; Align-GVGD: "Class C0". The threonine amino acid residue is found in multiple mammalian species, suggesting that this missense change does not adversely affect protein function. These predictions have not been confirmed by published functional studies and their clinical significance is uncertain. In summary, the available evidence is currently insufficient to determine the role of this variant in disease. Therefore, it has been classified as a Variant of Uncertain Significance.

NM_053025.4(MYLK):c.100G>A (p.Ala34Thr)

Gene: MYLK (myosin light chain kinase; minus strand). Cytogenetic location: 3q21.1.
Variant type: single nucleotide variant.
Coding change: c.100G>A on transcript NM_053025.4 (MANE Select); coding-DNA position 100, G replaced by A.
Protein change: p.Ala34Thr; replaces alanine 34 with threonine.
Molecular consequence: missense variant. On other transcripts: 5 prime UTR variant (1).
Genome position (GRCh38, 1-based): chr3:123,793,742, C>T on the plus strand (G>A on the coding strand, the complement: MYLK is on the minus strand). VCF-style: chr3-123793742-C-T. GRCh37 (hg19) VCF-style: chr3-123512589-C-T.
Other names: c.-221G>A (NM_001321309.2); c.100G>A, p.Ala34Thr (NM_053026.4, NM_053027.4, NM_053028.4); short protein forms A34T.
Identifiers: ClinVar variation 1022582 (VCV001022582.8), dbSNP rs760526212, ClinGen allele CA066619.
Genomic context (GRCh38, chr3:123,793,742, plus strand): 5'-CTTCGAACTTGGCGGTGGCTCCTTCTTTGATGCAGAGGTTCCGAGGGGGCAAAATGAAAG[C>T]AGGGGCCTCTGTCAGGGGCATGGAGTCAACTCTTGAGGGATCCACACTGAGGGAGGTTTT-3'
Protein context (NP_444253.3, residues 24-44): VDSMPLTEAP[Ala34Thr]FILPPRNLCI